The following is an entry in ClinVar:

NM_002529.4(NTRK1):c.1702del (p.Gln568fs)

Gene: NTRK1 (neurotrophic receptor tyrosine kinase 1; plus strand). Cytogenetic location: 1q23.1.
Variant type: Deletion.
Coding change: c.1702del on transcript NM_002529.4 (MANE Select); coding-DNA position 1702, one base deleted (C; older notation c.1702delC).
Protein change: p.Gln568fs; shifts the reading frame from glutamine 568.
Molecular consequence: frameshift variant.
Genome position (GRCh38, 1-based): chr1:156,876,469, C deleted. VCF-style (leftmost placement, unchanged base first): chr1-156876468-GC-G. GRCh37 (hg19) VCF-style: chr1-156846260-GC-G.
Other names: c.1594del, p.Gln532fs (NM_001007792.1); c.1684del, p.Gln562fs (NM_001012331.2); short protein forms Q532fs, Q562fs, Q568fs.
Identifiers: ClinVar variation 3731545 (VCV003731545.1).

ClinVar aggregate classification (germline): Likely pathogenic (1 of 4 stars; one submission).

Conditions:
Hereditary insensitivity to pain with anhidrosis (CIPA). Also called: FAMILIAL DYSAUTONOMIA, TYPE II; hereditary sensory and autonomic neuropathy type 4; NEUROPATHY, CONGENITAL SENSORY, WITH ANHIDROSIS; INSENSITIVITY TO PAIN, CONGENITAL, WITH ANHIDROSIS; NTRK1 Congenital Insensitivity to Pain with Anhidrosis; HSAN Type IV. Identifiers: Orphanet 642, MedGen C0020074, MONDO:0009746, OMIM 256800.

Submission:

Neuberg Centre For Genomic Medicine, NCGM
Classification: Likely pathogenic for Hereditary insensitivity to pain with anhidrosis. Last evaluated: 2023-06-22. Review status: criteria provided, single submitter. Criteria: ACMG Guidelines, 2015. Collection method: clinical testing. Allele origin: germline. Inheritance: Autosomal recessive inheritance. Affected: yes.
Comment: The observed frameshift c.1702del(p.Gln568SerfsTer90) variant in NTRK1 gene has not been reported previously as a pathogenic variant nor as a benign variant, to our knowledge. This variant is absent in gnomAD Exomes. This variant causes a frameshift starting with codon Glutamine 568, changes this amino acid to Serine residue, and creates a premature Stop codon at position 90 of the new reading frame, denoted p.Gln568SerfsTer90. This variant is predicted to cause loss of normal protein function through protein truncation. Loss of function variants have been previously reported to be disease causing (Verpoorten et al., 2006). For these reasons, this variant has been classified as Likely Pathogenic.